The following is an entry in ClinVar:

ClinVar aggregate classification (germline): Uncertain significance (1 of 4 stars; one submission).

Conditions:
Immunodeficiency-centromeric instability-facial anomalies syndrome 2 (ICF2). Identifiers: Orphanet 2268, MedGen C3279748, MONDO:0013553, OMIM 614069.

Submission:

Labcorp Genetics (formerly Invitae), Labcorp
Classification: Uncertain significance for Immunodeficiency-centromeric instability-facial anomalies syndrome 2. Last evaluated: 2022-08-08. Review status: criteria provided, single submitter. Criteria: Invitae Variant Classification Sherloc (09022015). Collection method: clinical testing. Allele origin: germline.
Comment: In summary, the available evidence is currently insufficient to determine the role of this variant in disease. Therefore, it has been classified as a Variant of Uncertain Significance. Experimental studies and prediction algorithms are not available or were not evaluated, and the functional significance of this variant is currently unknown. This variant has not been reported in the literature in individuals affected with ZBTB24-related conditions. This variant is present in population databases (no rsID available, gnomAD 0.01%). This variant, c.520_522del, results in the deletion of 1 amino acid(s) of the ZBTB24 protein (p.Glu174del), but otherwise preserves the integrity of the reading frame.

NM_014797.3(ZBTB24):c.517GAG[1] (p.Glu174del)

Gene: ZBTB24 (zinc finger and BTB domain containing 24; minus strand). Cytogenetic location: 6q21.
Variant type: Microsatellite.
Coding change: c.517GAG[1] on transcript NM_014797.3 (MANE Select); one copy of the 3-base unit GAG starting at c.517; the reference has two copies in a row; one copy, 3 bases deleted.
Protein change: p.Glu174del; deletes glutamic acid 174.
Molecular consequence: inframe deletion.
Genome position (GRCh38, 1-based): chr6:109,481,505-109,481,507, CTC deleted on the plus strand (GAG on the coding strand, the reverse complement: ZBTB24 is on the minus strand); deleting any 3 consecutive bases within chr6:109,481,505-109,481,512 gives the same sequence; the position shown is the placement nearest the transcript's 3' end. VCF-style (leftmost placement, unchanged base first): chr6-109481504-TCTC-T. GRCh37 (hg19) VCF-style: chr6-109802707-TCTC-T.
Other names: c.517GAG[1], p.Glu174del (NM_001164313.2); short protein forms E174del.
Identifiers: ClinVar variation 2191028 (VCV002191028.4), dbSNP rs1179212014, ClinGen allele CA569582658.